The following is an entry in ClinVar:

NM_021926.4(ALX4):c.*156G>A

Gene: ALX4 (ALX homeobox 4; minus strand). Cytogenetic location: 11p11.2.
Variant type: single nucleotide variant.
Coding change: c.*156G>A on transcript NM_021926.4 (MANE Select); 156 bases downstream of the stop codon, G replaced by A.
Molecular consequence: 3 prime UTR variant.
Genome position (GRCh38, 1-based): chr11:44,264,698, C>T on the plus strand (G>A on the coding strand, the complement: ALX4 is on the minus strand). VCF-style: chr11-44264698-C-T. GRCh37 (hg19) VCF-style: chr11-44286248-C-T.
Other names: c.*156G>A (LRG_1256t1).
Identifiers: ClinVar variation 304695 (VCV000304695.8), dbSNP rs376658247, ClinGen allele CA10630895.

ClinVar aggregate classification (germline): Benign/Likely benign. Review status: criteria provided, multiple submitters, no conflicts (2 of 4 stars). 2 submissions from 2 submitters: Benign (1); Likely benign (1). Last evaluated 2018-12-31.

Conditions:
Parietal foramina 2 (PFM2). Identifiers: Orphanet 60015, MedGen C1865044, MONDO:0012309, OMIM 609597.

Allele frequency attached by ClinVar (database versions not stated): gnomAD exomes 0.00088; 1000 Genomes Project 0.00699; gnomAD 0.00714 and 0.00776; 1000 Genomes Project 30x 0.00734; TOPMed 0.00819.

Submissions (2):

GeneDx
Classification: Likely benign. Last evaluated: 2018-12-31. Review status: criteria provided, single submitter. Criteria: GeneDx Variant Classification Process June 2021. Collection method: clinical testing. Allele origin: germline. Affected: yes.

Illumina Laboratory Services, Illumina
Classification: Benign for Parietal foramina 2. Last evaluated: 2018-01-12. Review status: criteria provided, single submitter. Criteria: ICSL Variant Classification Criteria 13 December 2019. Collection method: clinical testing. Allele origin: germline.
Comment: This variant was observed in the ICSL laboratory as part of a predisposition screen in an ostensibly healthy population. It had not been previously curated by ICSL or reported in the Human Gene Mutation Database (HGMD: prior to June 1st, 2018), and was therefore a candidate for classification through an automated scoring system. Utilizing variant allele frequency, disease prevalence and penetrance estimates, and inheritance mode, an automated score was calculated to assess if this variant is too frequent to cause the disease. Based on the score and internal cut-off values, a variant classified as benign is not then subjected to further curation. The score for this variant resulted in a classification of benign for this disease.